The following is an entry in ClinVar:

ClinVar aggregate classification (germline): Uncertain significance (1 of 4 stars; one submission).

Conditions:
Familial thoracic aortic aneurysm and aortic dissection (TAAD). Also called: Thoracic aortic aneurysms and dissections. Identifiers: Orphanet 91387, MedGen C4707243, MONDO:0019625.

Submission:

Ambry Genetics
Classification: Uncertain significance for Familial thoracic aortic aneurysm and aortic dissection. Last evaluated: 2026-03-09. Review status: criteria provided, single submitter. Criteria: Ambry Variant Classification Scheme 2023. Collection method: clinical testing. Allele origin: germline.
Comment: The p.K647N variant (also known as c.1941G>T), located in coding exon 15 of the MYH11 gene, results from a G to T substitution at nucleotide position 1941. The lysine at codon 647 is replaced by asparagine, an amino acid with similar properties. This amino acid position is conserved. In addition, the in silico prediction for this alteration is inconclusive. Based on the available evidence, the clinical significance of this variant remains unclear.

NM_002474.3(MYH11):c.1941G>T (p.Lys647Asn)

Gene: MYH11 (myosin heavy chain 11; minus strand). Cytogenetic location: 16p13.11.
Variant type: single nucleotide variant.
Coding change: c.1941G>T on transcript NM_002474.3 (MANE Select); coding-DNA position 1941, G replaced by T.
Protein change: p.Lys647Asn; replaces lysine 647 with asparagine.
Molecular consequence: missense variant.
Genome position (GRCh38, 1-based): chr16:15,750,255, C>A on the plus strand (G>T on the coding strand, the complement: MYH11 is on the minus strand). VCF-style: chr16-15750255-C-A. GRCh37 (hg19) VCF-style: chr16-15844112-C-A.
Other names: c.1962G>T, p.Lys654Asn (NM_001040113.2, NM_001040114.2); c.1941G>T, p.Lys647Asn (NM_022844.3); short protein forms K647N, K654N.
Identifiers: ClinVar variation 4825857 (VCV004825857.1).